The following is an entry in ClinVar:

NM_003072.5(SMARCA4):c.2365A>C (p.Thr789Pro)

Gene: SMARCA4 (SWI/SNF related BAF chromatin remodeling complex subunit ATPase 4; plus strand). Cytogenetic location: 19p13.2.
Variant type: single nucleotide variant.
Coding change: c.2365A>C on transcript NM_003072.5 (MANE Select); coding-DNA position 2365, A replaced by C.
Protein change: p.Thr789Pro; replaces threonine 789 with proline.
Molecular consequence: missense variant. On other transcripts: non-coding transcript variant (1).
Genome position (GRCh38, 1-based): chr19:11,013,039, A>C. VCF-style: chr19-11013039-A-C. GRCh37 (hg19) VCF-style: chr19-11123715-A-C.
Other names: c.2365A>C, p.Thr789Pro (NM_001128844.3, NM_001128845.2, NM_001128846.2 and 6 more transcripts); short protein forms T789P.
Identifiers: ClinVar variation 3446004 (VCV003446004.1).

ClinVar aggregate classification (germline): Uncertain significance (1 of 4 stars; one submission).

Conditions:
Hereditary cancer-predisposing syndrome. Also called: Tumor predisposition; Neoplastic Syndromes, Hereditary; Hereditary neoplastic syndrome; Hereditary Cancer Syndrome. Identifiers: Orphanet 140162, MedGen C0027672, MeSH D009386, MONDO:0015356.

Submission:

Ambry Genetics
Classification: Uncertain significance for Hereditary cancer-predisposing syndrome. Last evaluated: 2024-09-20. Review status: criteria provided, single submitter. Criteria: Ambry Variant Classification Scheme 2023. Collection method: clinical testing. Allele origin: germline.
Comment: The p.T789P variant (also known as c.2365A>C), located in coding exon 15 of the SMARCA4 gene, results from an A to C substitution at nucleotide position 2365. The threonine at codon 789 is replaced by proline, an amino acid with highly similar properties. This amino acid position is conserved. In addition, this alteration is predicted to be deleterious by in silico analysis. Based on the available evidence, the clinical significance of this variant remains unclear.